The following is an entry in ClinVar:

ClinVar aggregate classification (germline): Uncertain significance (1 of 4 stars; one submission).

Conditions:
X-linked immunodeficiency with magnesium defect, Epstein-Barr virus infection and neoplasia. Identifiers: Orphanet 317476, MedGen C3275445, MONDO:0010455, OMIM 300853.

Submission:

Labcorp Genetics (formerly Invitae), Labcorp
Classification: Uncertain significance for X-linked immunodeficiency with magnesium defect, Epstein-Barr virus infection and neoplasia. Last evaluated: 2023-03-03. Review status: criteria provided, single submitter. Criteria: Invitae Variant Classification Sherloc (09022015). Collection method: clinical testing. Allele origin: germline.
Comment: In summary, the available evidence is currently insufficient to determine the role of this variant in disease. Therefore, it has been classified as a Variant of Uncertain Significance. This variant is a gross deletion of the genomic region encompassing exon(s) 9 of the MAGT1 gene. While this deletion is not anticipated to lead to nonsense mediated decay, it is expected to disrupt the C-terminus of the protein. A similar copy number variant has been observed in individual(s) with clinical features of X-linked immunodeficiency with magnesium defect, Epstein-Barr virus infection, and neoplasia (Invitae). Experimental studies and prediction algorithms are not available or were not evaluated, and the functional significance of this variant is currently unknown.

NC_000023.10:g.(?_77086282)_(77086412_?)del

Gene: MAGT1 (magnesium transporter 1; minus strand). Cytogenetic location: Xq21.1.
Variant type: Deletion.
Identifiers: ClinVar variation 2427019 (VCV002427019.4).